The following is an entry in ClinVar:

ClinVar aggregate classification (germline): Likely pathogenic (0 of 4 stars; one submission).

Submission:

Genetic Services Laboratory, University of Chicago
Classification: Likely pathogenic. Last evaluated: 2022-08-18. Review status: no assertion criteria provided. Collection method: clinical testing. Allele origin: germline. Affected: yes.
Comment: DNA sequence analysis of the CSF3R gene demonstrated a sequence change, c.610C>T, which results in the creation of a premature stop codon at amino acid position 204, Gln204*. This sequence change is predicted to result in an abnormal transcript, which may be degraded, or may lead to the production of a truncated CSF3R protein with potentially abnormal function. This sequence change has not been described in population databases such as ExAC and gnomAD. While this sequence change has not been previously described in individuals with CSF3R-related disorders; other loss-of-function variants in CSF3R have been reported in individuals with neutropenia (PMID: 24753537, 26324699). These collective evidence indicate that this sequence change is likely pathogenic, however functional studies have not been performed to prove this conclusively.

NM_000760.4(CSF3R):c.610C>T (p.Gln204Ter)

Gene: CSF3R (colony stimulating factor 3 receptor; minus strand). Cytogenetic location: 1p34.3.
Variant type: single nucleotide variant.
Coding change: c.610C>T on transcript NM_000760.4 (MANE Select); coding-DNA position 610, C replaced by T.
Protein change: p.Gln204Ter; replaces glutamine 204 with a stop codon.
Molecular consequence: nonsense.
Genome position (GRCh38, 1-based): chr1:36,473,498, G>A on the plus strand (C>T on the coding strand, the complement: CSF3R is on the minus strand). VCF-style: chr1-36473498-G-A. GRCh37 (hg19) VCF-style: chr1-36939099-G-A.
Other names: c.610C>T, p.Gln204Ter (NM_156039.3, NM_172313.3); short protein forms Q204*.
Identifiers: ClinVar variation 2443101 (VCV002443101.2), dbSNP rs2521805573, ClinGen allele CA339423648.